The following is an entry in ClinVar:

NM_004839.4(HOMER2):c.644G>A (p.Arg215His)

Gene: HOMER2 (homer scaffold protein 2; minus strand). Cytogenetic location: 15q25.2.
Variant type: single nucleotide variant.
Coding change: c.644G>A on transcript NM_004839.4 (MANE Select); coding-DNA position 644, G replaced by A.
Protein change: p.Arg215His; replaces arginine 215 with histidine.
Molecular consequence: missense variant.
Genome position (GRCh38, 1-based): chr15:82,854,651, C>T on the plus strand (G>A on the coding strand, the complement: HOMER2 is on the minus strand). VCF-style: chr15-82854651-C-T. GRCh37 (hg19) VCF-style: chr15-83523403-C-T.
Other names: c.677G>A, p.Arg226His (NM_199330.3); short protein forms R226H, R215H.
Identifiers: ClinVar variation 3526150 (VCV003526150.2).

ClinVar aggregate classification (germline): Uncertain significance. Review status: criteria provided, multiple submitters, no conflicts (2 of 4 stars). 2 submissions from 2 submitters: Uncertain significance (2). Last evaluated 2025-02-23.

Conditions:
Inborn genetic diseases. Identifiers: MedGen C0950123, MeSH D030342.

gnomAD v4.1: 41 of 1,611,670 alleles (0.0025%); highest among the groups gnomAD compares: Non-Finnish European, 0.0034%; no homozygotes.

Submissions (2):

Labcorp Genetics (formerly Invitae), Labcorp
Classification: Uncertain significance. Last evaluated: 2025-02-23. Review status: criteria provided, single submitter. Criteria: Invitae Variant Classification Sherloc (09022015). Collection method: clinical testing. Allele origin: germline.
Comment: This sequence change replaces arginine, which is basic and polar, with histidine, which is basic and polar, at codon 215 of the HOMER2 protein (p.Arg215His). The frequency data for this variant in the population databases is considered unreliable, as metrics indicate poor data quality at this position in the gnomAD database. This variant has not been reported in the literature in individuals affected with HOMER2-related conditions. ClinVar contains an entry for this variant (Variation ID: 3526150). An algorithm developed to predict the effect of missense changes on protein structure and function (PolyPhen-2) suggests that this variant is likely to be disruptive. In summary, the available evidence is currently insufficient to determine the role of this variant in disease. Therefore, it has been classified as a Variant of Uncertain Significance.

Ambry Genetics
Classification: Uncertain significance for Inborn genetic diseases. Last evaluated: 2024-10-01. Review status: criteria provided, single submitter. Criteria: Ambry Variant Classification Scheme 2023. Collection method: clinical testing. Allele origin: germline.